The following is an entry in ClinVar:

NM_001365951.3(KIF1B):c.2611G>C (p.Glu871Gln)

Gene: KIF1B (kinesin family member 1B; plus strand). Cytogenetic location: 1p36.22.
Variant type: single nucleotide variant.
Coding change: c.2611G>C on transcript NM_001365951.3 (MANE Select); coding-DNA position 2611, G replaced by C.
Protein change: p.Glu871Gln; replaces glutamic acid 871 with glutamine.
Molecular consequence: missense variant.
Genome position (GRCh38, 1-based): chr1:10,324,831, G>C. VCF-style: chr1-10324831-G-C. GRCh37 (hg19) VCF-style: chr1-10384889-G-C.
Other names: c.2473G>C, p.Glu825Gln (NM_015074.3); c.2611G>C, p.Glu871Gln (NM_001365952.1); short protein forms E871Q, E825Q.
Identifiers: ClinVar variation 4092401 (VCV004092401.1).

ClinVar aggregate classification (germline): Uncertain significance (1 of 4 stars; one submission).

Submission:

Ambry Genetics
Classification: Uncertain significance. Last evaluated: 2025-09-10. Review status: criteria provided, single submitter. Criteria: Ambry Variant Classification Scheme 2023. Collection method: clinical testing. Allele origin: germline.
Comment: The p.E825Q variant (also known as c.2473G>C), located in coding exon 23 of the KIF1B gene, results from a G to C substitution at nucleotide position 2473. The glutamic acid at codon 825 is replaced by glutamine, an amino acid with highly similar properties. This amino acid position is conserved. In addition, the in silico prediction for this alteration is inconclusive. Based on the available evidence, the clinical significance of this variant remains unclear.